The following is an entry in ClinVar:

ClinVar aggregate classification (germline): Uncertain significance. Review status: criteria provided, single submitter (1 of 4 stars). 2 submissions from 2 submitters: Uncertain significance (1). 1 of the submissions does not count toward it. Last evaluated 2015-06-25.

Conditions:
B4GALT7-related disorder. Also called: B4GALT7-related condition.

Allele frequency attached by ClinVar (database versions not stated): gnomAD exomes below 0.00001; ExAC 0.00001; TOPMed 0.00001; gnomAD 0.00003.

Submissions (2):

Eurofins Ntd Llc (ga)
Classification: Uncertain significance. Last evaluated: 2015-06-25. Review status: criteria provided, single submitter. Criteria: EGL Classification Definitions 2015. Collection method: clinical testing. Allele origin: germline. Observed: 1 variant allele, 1 heterozygote.

PreventionGenetics, part of Exact Sciences
Classification: Uncertain significance for B4GALT7-related condition. Last evaluated: 2024-01-24. Review status: no assertion criteria provided. Collection method: clinical testing. Allele origin: germline. Not counted in ClinVar's aggregate classification.
Comment: The B4GALT7 c.328G>A variant is predicted to result in the amino acid substitution p.Val110Ile. To our knowledge, this variant has not been reported in the literature. This variant is reported in 0.012% of alleles in individuals of African descent in gnomAD. At this time, the clinical significance of this variant is uncertain due to the absence of conclusive functional and genetic evidence.

NM_007255.3(B4GALT7):c.328G>A (p.Val110Ile)

Gene: B4GALT7 (beta-1,4-galactosyltransferase 7; plus strand). Cytogenetic location: 5q35.3.
Variant type: single nucleotide variant.
Coding change: c.328G>A on transcript NM_007255.3 (MANE Select); coding-DNA position 328, G replaced by A.
Protein change: p.Val110Ile; replaces valine 110 with isoleucine.
Molecular consequence: missense variant.
Genome position (GRCh38, 1-based): chr5:177,604,456, G>A. VCF-style: chr5-177604456-G-A. GRCh37 (hg19) VCF-style: chr5-177031457-G-A.
Other names: c.328G>A (NM_007255.2); short protein forms V110I.
Identifiers: ClinVar variation 281708 (VCV000281708.7), dbSNP rs760654517, ClinGen allele CA3586444.